The following is an entry in ClinVar:

ClinVar aggregate classification (germline): Uncertain significance. Review status: criteria provided, multiple submitters, no conflicts (2 of 4 stars). 3 submissions from 3 submitters: Uncertain significance (3). Last evaluated 2025-03-04.

Allele frequency attached by ClinVar (database versions not stated): gnomAD exomes 0.00005; ExAC 0.00008; gnomAD 0.00017; TOPMed 0.00018; ESP Exome Variant Server 0.00038.
gnomAD v4.1: 105 of 1,614,106 alleles (0.0065%); highest among the groups gnomAD compares: Middle Eastern, 0.016%; no homozygotes.

Submissions (3):

Center for Genomic Medicine, Rigshospitalet, Copenhagen University Hospital
Classification: Uncertain significance. Last evaluated: 2025-03-04. Review status: criteria provided, single submitter. Criteria: ACMG Guidelines, 2015. Collection method: clinical testing. Allele origin: germline.

Labcorp Genetics (formerly Invitae), Labcorp
Classification: Uncertain significance. Last evaluated: 2024-11-04. Review status: criteria provided, single submitter. Criteria: Invitae Variant Classification Sherloc (09022015). Collection method: clinical testing. Allele origin: germline.
Comment: This sequence change replaces lysine, which is basic and polar, with arginine, which is basic and polar, at codon 372 of the TERF2IP protein (p.Lys372Arg). This variant is present in population databases (rs145251422, gnomAD 0.02%). This variant has not been reported in the literature in individuals affected with TERF2IP-related conditions. ClinVar contains an entry for this variant (Variation ID: 1796092). An algorithm developed to predict the effect of missense changes on protein structure and function (PolyPhen-2) suggests that this variant is likely to be disruptive. In summary, the available evidence is currently insufficient to determine the role of this variant in disease. Therefore, it has been classified as a Variant of Uncertain Significance.

Ambry Genetics
Classification: Uncertain significance. Last evaluated: 2024-10-01. Review status: criteria provided, single submitter. Criteria: Ambry Variant Classification Scheme 2023. Collection method: clinical testing. Allele origin: germline.
Comment: The p.K372R variant (also known as c.1115A>G), located in coding exon 3 of the TERF2IP gene, results from an A to G substitution at nucleotide position 1115. The lysine at codon 372 is replaced by arginine, an amino acid with highly similar properties. This amino acid position is conserved. In addition, this alteration is predicted to be tolerated by in silico analysis. Since supporting evidence is limited at this time, the clinical significance of this alteration remains unclear.

NM_018975.4(TERF2IP):c.1115A>G (p.Lys372Arg)

Gene: TERF2IP (TERF2 interacting protein; plus strand). Cytogenetic location: 16q23.1.
Variant type: single nucleotide variant.
Coding change: c.1115A>G on transcript NM_018975.4 (MANE Select); coding-DNA position 1115, A replaced by G.
Protein change: p.Lys372Arg; replaces lysine 372 with arginine.
Molecular consequence: missense variant. On other transcripts: non-coding transcript variant (1).
Genome position (GRCh38, 1-based): chr16:75,656,526, A>G. VCF-style: chr16-75656526-A-G. GRCh37 (hg19) VCF-style: chr16-75690424-A-G.
Other names: short protein forms K372R.
Identifiers: ClinVar variation 1796092 (VCV001796092.8), dbSNP rs145251422, ClinGen allele CA8178170.